The following is an entry in ClinVar:

NM_005902.4(SMAD3):c.1193T>C (p.Leu398Pro)

Gene: SMAD3 (SMAD family member 3; plus strand). Cytogenetic location: 15q22.33.
Variant type: single nucleotide variant.
Coding change: c.1193T>C on transcript NM_005902.4 (MANE Select); coding-DNA position 1193, T replaced by C.
Protein change: p.Leu398Pro; replaces leucine 398 with proline.
Molecular consequence: missense variant.
Genome position (GRCh38, 1-based): chr15:67,190,451, T>C. VCF-style: chr15-67190451-T-C. GRCh37 (hg19) VCF-style: chr15-67482789-T-C.
Other names: c.878T>C, p.Leu293Pro (NM_001145102.2, NM_001407016.1); c.1061T>C, p.Leu354Pro (NM_001145103.2, NM_001407012.1); c.608T>C, p.Leu203Pro (NM_001145104.2, NM_001407017.1); c.1304T>C, p.Leu435Pro (NM_001407011.1); c.1055T>C, p.Leu352Pro (NM_001407013.1); c.1046T>C, p.Leu349Pro (NM_001407014.1); c.746T>C, p.Leu249Pro (NM_001407015.1); short protein forms L203P, L293P, L354P, L398P, L352P, L249P, L349P, L435P.
Identifiers: ClinVar variation 5008634 (VCV005008634.1).

ClinVar aggregate classification (germline): Uncertain significance (1 of 4 stars; one submission).

Submission:

GeneDx
Classification: Uncertain significance. Last evaluated: 2026-03-06. Review status: criteria provided, single submitter. Criteria: GeneDx Variant Classification Process June 2021. Collection method: clinical testing. Allele origin: germline.
Comment: Not observed at significant frequency in large population cohorts (gnomAD); In silico analysis supports that this missense variant has a deleterious effect on protein structure/function; Has not been previously published as pathogenic or benign to our knowledge